The following is an entry in ClinVar:

ClinVar aggregate classification (germline): Likely benign (0 of 4 stars; one submission).

Conditions:
PLXNA4-related disorder. Also called: PLXNA4-related condition.

Allele frequency attached by ClinVar (database versions not stated): TOPMed below 0.00001; gnomAD exomes 0.00002.
gnomAD v4.1: 25 of 1,606,698 alleles (0.0016%); highest among the groups gnomAD compares: Middle Eastern, 0.066%; no homozygotes.

Submission:

PreventionGenetics, part of Exact Sciences
Classification: Likely benign for PLXNA4-related condition. Last evaluated: 2021-12-22. Review status: no assertion criteria provided. Collection method: clinical testing. Allele origin: germline.
Comment: This variant is classified as likely benign based on ACMG/AMP sequence variant interpretation guidelines (Richards et al. 2015 PMID: 25741868, with internal and published modifications).

NM_020911.2(PLXNA4):c.1299G>A (p.Thr433=)

Gene: PLXNA4 (plexin A4; minus strand). Cytogenetic location: 7q32.3.
Variant type: single nucleotide variant.
Coding change: c.1299G>A on transcript NM_020911.2 (MANE Select); coding-DNA position 1299, G replaced by A.
Protein change: p.Thr433=; no amino-acid change (threonine 433 retained).
Molecular consequence: synonymous variant.
Genome position (GRCh38, 1-based): chr7:132,489,364, C>T on the plus strand (G>A on the coding strand, the complement: PLXNA4 is on the minus strand). VCF-style: chr7-132489364-C-T. GRCh37 (hg19) VCF-style: chr7-132174123-C-T.
Other names: c.1299G>A, p.Thr433= (NM_001105543.2, NM_001393897.1, NM_181775.4).
Identifiers: ClinVar variation 3029017 (VCV003029017.2), dbSNP rs772611553, ClinGen allele CA4490313.